The following is an entry in ClinVar:

NM_000059.4(BRCA2):c.9821T>G (p.Leu3274Trp)

Gene: BRCA2 (BRCA2 DNA repair associated; plus strand). Cytogenetic location: 13q13.1.
Variant type: single nucleotide variant.
Coding change: c.9821T>G on transcript NM_000059.4 (MANE Select); coding-DNA position 9821, T replaced by G.
Protein change: p.Leu3274Trp; replaces leucine 3274 with tryptophan.
Molecular consequence: missense variant.
Genome position (GRCh38, 1-based): chr13:32,398,334, T>G. VCF-style: chr13-32398334-T-G. GRCh37 (hg19) VCF-style: chr13-32972471-T-G.
Other names: 10049T>G; short protein forms L3274W.
Identifiers: ClinVar variation 96889 (VCV000096889.31), dbSNP rs431825380, ClinGen allele CA026306.

ClinVar aggregate classification (germline): Conflicting classifications of pathogenicity. Review status: criteria provided, conflicting classifications (1 of 4 stars). 9 submissions from 9 submitters: Uncertain significance (6); Likely benign (1). 2 of the submissions do not count toward it. Last evaluated 2026-03-17.

Conditions:
Hereditary cancer-predisposing syndrome. Also called: Tumor predisposition; Neoplastic Syndromes, Hereditary; Hereditary Cancer Syndrome; Hereditary neoplastic syndrome. Identifiers: Orphanet 140162, MedGen C0027672, MeSH D009386, MONDO:0015356.
Hereditary breast ovarian cancer syndrome. Also called: Hereditary breast and ovarian cancer; Breast and ovarian cancer; Hereditary breast and ovarian cancer syndrome; Hereditary breast and/or ovarian cancer syndrome; Hereditary breast and ovarian cancer syndrome (HBOC); BRCA1- and BRCA2-Associated Hereditary Breast and Ovarian Cancer. Identifiers: Orphanet 145, MedGen C0677776, MeSH D061325, MONDO:0003582. Disease mechanism: loss of function.
Breast-ovarian cancer, familial, susceptibility to, 2 (BROVCA2). Also called: BRCA2 Hereditary Breast and Ovarian Cancer. Identifiers: Orphanet 145, MedGen C2675520, MONDO:0012933, OMIM 612555. Disease mechanism: loss of function.
Familial cancer of breast. Also called: hereditary breast carcinoma; Hereditary breast cancer; BREAST CANCER, FAMILIAL. Identifiers: Orphanet 227535, MedGen C0346153, MONDO:0016419, OMIM 114480. Disease mechanism: loss of function.

Allele frequency attached by ClinVar (database versions not stated): gnomAD 0.00001; TOPMed 0.00001.
gnomAD v4.1: 13 of 1,614,062 alleles (0.00081%); highest among the groups gnomAD compares: Non-Finnish European, 0.001%; no homozygotes.

Submissions (9):

Women's Health and Genetics/Laboratory Corporation of America, LabCorp
Classification: Likely benign. Last evaluated: 2026-03-17. Review status: criteria provided, single submitter. Criteria: LabCorp Variant Classification Summary - May 2015. Collection method: clinical testing. Allele origin: germline.
Comment: Variant summary: BRCA2 c.9821T>G (p.Leu3274Trp) results in a non-conservative amino acid change located in the BRCA2, TR2 domain (IPR055077) of the encoded protein sequence. Algorithms developed to predict the effect of missense changes on protein structure and function are either unavailable or do not agree on the potential impact of this missense change. The variant was absent in 251312 control chromosomes. The available data on variant occurrences in the general population are insufficient to allow any conclusion about variant significance. c.9821T>G has been reported in the literature in an individual affected with ovarian cancer, an individual with duodenal cancer and a strong family history of multiple cancer types, and in an individual with a strong history of breast cancer who underwent BRCA1/2 testing (e.g. Cunningham_2014, Shindo_2017, Ando_2024, Nakamura_2013, Arai_2018). These reports do not provide unequivocal conclusions about association of the variant with Hereditary Breast And Ovarian Cancer Syndrome. At least one functional study reports experimental evidence evaluating an impact on protein function and showed no damaging effect of this variant on homology directed repair (HDR) activity (Guo_2023). HDR assays qualify as a recognized gold standard on the basis of updated guidance provided by the ClinGen Sequence Variant Interpretation (SVI) working group. The following publications have been ascertained in the context of this evaluation (PMID: 29176636, 24504028, 24249303, 28767289, 38781545, 37731132). ClinVar contains an entry for this variant (Variation ID: 96889). Based on the evidence outlined above, the variant was classified as likely benign.

Labcorp Genetics (formerly Invitae), Labcorp
Classification: Uncertain significance for Hereditary breast ovarian cancer syndrome. Last evaluated: 2025-06-29. Review status: criteria provided, single submitter. Criteria: Invitae Variant Classification Sherloc (09022015). Collection method: clinical testing. Allele origin: germline.
Comment: This sequence change replaces leucine, which is neutral and non-polar, with tryptophan, which is neutral and slightly polar, at codon 3274 of the BRCA2 protein (p.Leu3274Trp). This variant is not present in population databases (gnomAD no frequency). This missense change has been observed in individual(s) with breast and/or ovarian cancer and duodenal adenocarcinoma (PMID: 24249303, 24504028, 28767289, 29176636). ClinVar contains an entry for this variant (Variation ID: 96889). Invitae Evidence Modeling of protein sequence and biophysical properties (such as structural, functional, and spatial information, amino acid conservation, physicochemical variation, residue mobility, and thermodynamic stability) indicates that this missense variant is not expected to disrupt BRCA2 protein function with a negative predictive value of 95%. Experimental studies have shown that this missense change does not substantially affect BRCA2 function (PMID: 37731132). In summary, the available evidence is currently insufficient to determine the role of this variant in disease. Therefore, it has been classified as a Variant of Uncertain Significance.

Baylor Genetics
Classification: Uncertain significance for Familial cancer of breast. Last evaluated: 2024-03-26. Review status: criteria provided, single submitter. Criteria: ACMG Guidelines, 2015. Collection method: clinical testing. Allele origin: unknown.

Ambry Genetics
Classification: Uncertain significance for Hereditary cancer-predisposing syndrome. Last evaluated: 2024-01-19. Review status: criteria provided, single submitter. Criteria: Ambry Variant Classification Scheme 2023. Collection method: clinical testing. Allele origin: germline.
Comment: The p.L3274W variant (also known as c.9821T>G), located in coding exon 26 of the BRCA2 gene, results from a T to G substitution at nucleotide position 9821. The leucine at codon 3274 is replaced by tryptophan, an amino acid with similar properties. This alteration has been reported in 1/260 Japanese high risk breast/ovarian probands (Nakamura S et al. Breast Cancer 2015 Sep; 22(5):462-8), 1/830 Japanese patients who underwent BRCA1/2 testing (Arai M et al. J. Hum. Genet., 2018 Apr;63:447-457), as a germline variant in a cohort of 1063 HDR deficient epithelial ovarian cancers (Cunningham JM et al. Sci Rep, 2014 Feb;4:4026), and in a patient with duodenal adenocarcinoma from a cohort of 854 patients with pancreatic ductal adenocarcinoma, 288 patients with other pancreatic and periampullary neoplasms, and 51 patients with nonneoplastic diseases who underwent pancreatic resection (Shindo K et al. J. Clin. Oncol., 2017 Oct;35:3382-3390). This amino acid position is highly conserved in available vertebrate species. In addition, the in silico prediction for this alteration is inconclusive. Since supporting evidence is limited at this time, the clinical significance of this alteration remains unclear.

GeneDx
Classification: Uncertain significance. Last evaluated: 2023-10-24. Review status: criteria provided, single submitter. Criteria: GeneDx Variant Classification Process June 2021. Collection method: clinical testing. Allele origin: germline. Affected: yes.
Comment: Observed in individuals with personal or family history of breast or ovarian cancer (PMID: 24504028, 24249303, 28767289, 29176636); In silico analysis supports that this missense variant does not alter protein structure/function; Not observed at significant frequency in large population cohorts (gnomAD); Also known as 10049T>G; This variant is associated with the following publications: (PMID: 24249303, 28767289, 24504028, 29176636, 32377563, 29884841)

Color Diagnostics, LLC DBA Color Health
Classification: Uncertain significance for Hereditary cancer-predisposing syndrome. Last evaluated: 2020-07-14. Review status: criteria provided, single submitter. Criteria: ACMG Guidelines, 2015. Collection method: clinical testing. Allele origin: germline.
Comment: This missense variant replaces leucine with tryptophan at codon 3274 of the BRCA2 protein. Computational prediction suggests that this variant may not impact protein structure and function (internally defined REVEL score threshold <= 0.5, PMID: 27666373). To our knowledge, functional studies have not been reported for this variant. This variant has been reported in one individual each affected with ovarian cancer (PMID: 24504028) and pancreatic cancer with family history of breast cancer (PMID: 28767289). This variant also has been reported in a family affected with breast/ovarian cancer (PMID: 24249303). This variant has not been identified in the general population by the Genome Aggregation Database (gnomAD). The available evidence is insufficient to determine the role of this variant in disease conclusively. Therefore, this variant is classified as a Variant of Uncertain Significance.

Quest Diagnostics Nichols Institute San Juan Capistrano
Classification: Uncertain significance. Last evaluated: 2018-05-20. Review status: criteria provided, single submitter. Criteria: Quest Diagnostics criteria. Collection method: clinical testing. Allele origin: germline.

Counsyl
Classification: Uncertain significance for Breast-ovarian cancer, familial, susceptibility to, 2. Last evaluated: 2018-03-16. Review status: no assertion criteria provided. Collection method: clinical testing. Allele origin: unknown. Not counted in ClinVar's aggregate classification.

Sharing Clinical Reports Project (SCRP)
Classification: Uncertain significance for Breast-ovarian cancer, familial 2. Last evaluated: 2009-09-03. Review status: no assertion criteria provided. Collection method: clinical testing. Allele origin: germline. Not counted in ClinVar's aggregate classification.

Literature cited by the submitters: PubMed 24504028 (cited by 4 submitters); PubMed 24249303 (cited by 4 submitters); PubMed 28767289 (cited by 4 submitters); PubMed 29176636 (cited by 3 submitters); PubMed 37731132 (cited by Women's Health and Genetics/Laboratory Corporation of America, LabCorp and Labcorp Genetics (formerly Invitae), Labcorp); PubMed 38781545 (cited by Women's Health and Genetics/Laboratory Corporation of America, LabCorp).